The following is an entry in ClinVar:

NM_022916.6(VPS33A):c.1129G>A (p.Glu377Lys)

Gene: VPS33A (VPS33A core subunit of CORVET and HOPS complexes; minus strand). Cytogenetic location: 12q24.31.
Variant type: single nucleotide variant.
Coding change: c.1129G>A on transcript NM_022916.6 (MANE Select); coding-DNA position 1129, G replaced by A.
Protein change: p.Glu377Lys; replaces glutamic acid 377 with lysine.
Molecular consequence: missense variant.
Genome position (GRCh38, 1-based): chr12:122,239,913, C>T on the plus strand (G>A on the coding strand, the complement: VPS33A is on the minus strand). VCF-style: chr12-122239913-C-T. GRCh37 (hg19) VCF-style: chr12-122724460-C-T.
Other names: c.1096G>A, p.Glu366Lys (NM_001351018.2); c.1081G>A, p.Glu361Lys (NM_001351019.2); c.808G>A, p.Glu270Lys (NM_001351020.2); short protein forms E361K, E270K, E377K, E366K.
Identifiers: ClinVar variation 2846345 (VCV002846345.3), dbSNP rs2547160705, ClinGen allele CA387052680.

ClinVar aggregate classification (germline): Uncertain significance (1 of 4 stars; one submission).

Submission:

Labcorp Genetics (formerly Invitae), Labcorp
Classification: Uncertain significance. Last evaluated: 2023-10-23. Review status: criteria provided, single submitter. Criteria: Invitae Variant Classification Sherloc (09022015). Collection method: clinical testing. Allele origin: germline.
Comment: This sequence change replaces glutamic acid, which is acidic and polar, with lysine, which is basic and polar, at codon 377 of the VPS33A protein (p.Glu377Lys). This variant is not present in population databases (gnomAD no frequency). This variant has not been reported in the literature in individuals affected with VPS33A-related conditions. Advanced modeling of protein sequence and biophysical properties (such as structural, functional, and spatial information, amino acid conservation, physicochemical variation, residue mobility, and thermodynamic stability) performed at Invitae indicates that this missense variant is expected to disrupt VPS33A protein function with a positive predictive value of 80%. In summary, the available evidence is currently insufficient to determine the role of this variant in disease. Therefore, it has been classified as a Variant of Uncertain Significance.